The following is an entry in ClinVar:

NM_005458.8(GABBR2):c.468T>G (p.Phe156Leu)

Gene: GABBR2 (gamma-aminobutyric acid type B receptor subunit 2; minus strand). Cytogenetic location: 9q22.33.
Variant type: single nucleotide variant.
Coding change: c.468T>G on transcript NM_005458.8 (MANE Select); coding-DNA position 468, T replaced by G.
Protein change: p.Phe156Leu; replaces phenylalanine 156 with leucine.
Molecular consequence: missense variant.
Genome position (GRCh38, 1-based): chr9:98,542,035, A>C on the plus strand (T>G on the coding strand, the complement: GABBR2 is on the minus strand). VCF-style: chr9-98542035-A-C. GRCh37 (hg19) VCF-style: chr9-101304317-A-C.
Other names: short protein forms F156L.
Identifiers: ClinVar variation 2580432 (VCV002580432.1), dbSNP rs2490087230, ClinGen allele CA374351192.

ClinVar aggregate classification (germline): Uncertain significance (1 of 4 stars; one submission).

Submission:

GeneDx
Classification: Uncertain significance. Last evaluated: 2023-03-23. Review status: criteria provided, single submitter. Criteria: GeneDx Variant Classification Process June 2021. Collection method: clinical testing. Allele origin: germline. Affected: yes.
Comment: Not observed at significant frequency in large population cohorts (gnomAD); In silico analysis supports that this missense variant has a deleterious effect on protein structure/function; Has not been previously published as pathogenic or benign to our knowledge